The following is an entry in ClinVar:

NM_001166114.2(PNPLA6):c.2148G>T (p.Glu716Asp)

Gene: PNPLA6 (patatin like domain 6, lysophospholipase; plus strand). Cytogenetic location: 19p13.2.
Variant type: single nucleotide variant.
Coding change: c.2148G>T on transcript NM_001166114.2 (MANE Select); coding-DNA position 2148, G replaced by T.
Protein change: p.Glu716Asp; replaces glutamic acid 716 with aspartic acid.
Molecular consequence: missense variant.
Genome position (GRCh38, 1-based): chr19:7,551,071, G>T. VCF-style: chr19-7551071-G-T. GRCh37 (hg19) VCF-style: chr19-7615957-G-T.
Other names: c.2175G>T, p.Glu725Asp (NM_001166111.2); c.1953G>T, p.Glu651Asp (NM_001166112.2); c.2031G>T, p.Glu677Asp (NM_001166113.1, NM_006702.5); short protein forms E651D, E716D, E677D, E725D.
Identifiers: ClinVar variation 656896 (VCV000656896.8), dbSNP rs1425497937, ClinGen allele CA403124627.
Genomic context (GRCh38, chr19:7,551,071, plus strand): 5'-GCAGCCGCGAGCCACGACGGTGCACGCGGTGCGCGACACGGAGCTGGCCAAGCTTCCCGA[G>T]GGCACCTTGGGTCACATCAAACGCCGGTACCCGCAGGTGCGGCCTGTTGTGGGCGGGGCA-3'
Protein context (NP_001159586.1, residues 706-726): VRDTELAKLP[Glu716Asp]GTLGHIKRRY

ClinVar aggregate classification (germline): Uncertain significance. Review status: criteria provided, multiple submitters, no conflicts (2 of 4 stars). 2 submissions from 2 submitters: Uncertain significance (2). Last evaluated 2022-08-15.

Conditions:
Hereditary spastic paraplegia 39 (SPG39). Also called: Spastic Paraplegia Type 39 (SPG39); SPASTIC PARAPLEGIA 39, AUTOSOMAL RECESSIVE. Identifiers: Orphanet 139480, MedGen C2677586, MONDO:0012787, OMIM 612020.

Allele frequency attached by ClinVar (database versions not stated): gnomAD exomes 0.00001; TOPMed below 0.00001.
gnomAD v4.1: 9 of 1,549,638 alleles (0.00058%); highest among the groups gnomAD compares: Non-Finnish European, 0.0007%; no homozygotes.

Submissions (2):

Labcorp Genetics (formerly Invitae), Labcorp
Classification: Uncertain significance for Hereditary spastic paraplegia 39. Last evaluated: 2022-08-15. Review status: criteria provided, single submitter. Criteria: Invitae Variant Classification Sherloc (09022015). Collection method: clinical testing. Allele origin: germline.
Comment: In summary, the available evidence is currently insufficient to determine the role of this variant in disease. Therefore, it has been classified as a Variant of Uncertain Significance. Algorithms developed to predict the effect of missense changes on protein structure and function are either unavailable or do not agree on the potential impact of this missense change (SIFT: "Tolerated"; PolyPhen-2: "Possibly Damaging"; Align-GVGD: "Class C0"). ClinVar contains an entry for this variant (Variation ID: 656896). This missense change has been observed in individual(s) with juvenile onset motor neuron disease (PMID: 34103343). The frequency data for this variant in the population databases is considered unreliable, as metrics indicate poor data quality at this position in the gnomAD database. This sequence change replaces glutamic acid, which is acidic and polar, with aspartic acid, which is acidic and polar, at codon 677 of the PNPLA6 protein (p.Glu677Asp).

GeneDx
Classification: Uncertain significance. Last evaluated: 2019-10-04. Review status: criteria provided, single submitter. Criteria: GeneDx Variant Classification Process June 2021. Collection method: clinical testing. Allele origin: germline. Affected: yes.
Comment: Not observed at a significant frequency in large population cohorts (Lek et al., 2016); In silico analysis, which includes protein predictors and evolutionary conservation, supports that this variant does not alter protein structure/function; Has not been previously published as pathogenic or benign to our knowledge

Literature cited by the submitters: PubMed 34103343 (cited by Labcorp Genetics (formerly Invitae), Labcorp).